The following is an entry in ClinVar:

NM_206933.4(USH2A):c.15260_15263dup (p.Leu5089fs)

Gene: USH2A (usherin; minus strand). Cytogenetic location: 1q41.
Variant type: Duplication.
Coding change: c.15260_15263dup on transcript NM_206933.4 (MANE Select); coding-DNA positions 15260 to 15263, 4 bases duplicated (CTCC; older notation c.15260_15263dupCTCC).
Protein change: p.Leu5089fs; shifts the reading frame from leucine 5089.
Molecular consequence: frameshift variant.
Genome position (GRCh38, 1-based): chr1:215,634,493-215,634,496, GGAG duplicated on the plus strand (CTCC on the coding strand, the reverse complement: USH2A is on the minus strand). VCF-style (leftmost placement, unchanged base first): chr1-215634492-T-TGGAG. GRCh37 (hg19) VCF-style: chr1-215807834-T-TGGAG.
Other names: short protein forms L5089fs.
Identifiers: ClinVar variation 2112139 (VCV002112139.5), dbSNP rs2464771441, ClinGen allele CA2580062038.

ClinVar aggregate classification (germline): Pathogenic/Likely pathogenic. Review status: criteria provided, multiple submitters, no conflicts (2 of 4 stars). 2 submissions from 2 submitters: Pathogenic (1); Likely pathogenic (1). Last evaluated 2025-05-26.

Conditions:
Usher syndrome type 2A. Also called: RETINAL DISEASE IN USHER SYNDROME TYPE IIA, MODIFIER OF; USHER SYNDROME, TYPE IIA. Identifiers: Orphanet 231178, Orphanet 886, MedGen C1848634, MONDO:0010169, OMIM 276901.
Retinitis pigmentosa 39 (RP39). Identifiers: Orphanet 791, MedGen C3151138, MONDO:0013436, OMIM 613809.

Submissions (2):

Labcorp Genetics (formerly Invitae), Labcorp
Classification: Pathogenic. Last evaluated: 2025-05-26. Review status: criteria provided, single submitter. Criteria: Invitae Variant Classification Sherloc (09022015). Collection method: clinical testing. Allele origin: germline.
Comment: This sequence change creates a premature translational stop signal (p.Leu5089Serfs*90) in the USH2A gene. While this is not anticipated to result in nonsense mediated decay, it is expected to disrupt the last 114 amino acid(s) of the USH2A protein. This variant is not present in population databases (gnomAD no frequency). This variant has not been reported in the literature in individuals affected with USH2A-related conditions. ClinVar contains an entry for this variant (Variation ID: 2112139). This variant disrupts a region of the USH2A protein in which other variant(s) (p.Ile5166Val) have been determined to be pathogenic (PMID: 26969326, 27460420, 32531858). This suggests that this is a clinically significant region of the protein, and that variants that disrupt it are likely to be disease-causing. For these reasons, this variant has been classified as Pathogenic.

Fulgent Genetics
Classification: Likely pathogenic for Usher syndrome type 2A; Retinitis pigmentosa 39. Last evaluated: 2024-06-25. Review status: criteria provided, single submitter. Criteria: ACMG Guidelines, 2015. Collection method: clinical testing. Allele origin: germline.

Literature cited by the submitters: PubMed 26969326 (cited by Labcorp Genetics (formerly Invitae), Labcorp); PubMed 27460420 (cited by Labcorp Genetics (formerly Invitae), Labcorp); PubMed 32531858 (cited by Labcorp Genetics (formerly Invitae), Labcorp).